The following is an entry in ClinVar:

ClinVar aggregate classification (germline): Uncertain significance (1 of 4 stars; one submission).

Conditions:
Inborn genetic diseases. Identifiers: MedGen C0950123, MeSH D030342.

Submission:

Ambry Genetics
Classification: Uncertain significance for Inborn genetic diseases. Last evaluated: 2026-03-31. Review status: criteria provided, single submitter. Criteria: Ambry Variant Classification Scheme 2023. Collection method: clinical testing. Allele origin: germline.
Comment: The p.F472L variant (also known as c.1416C>G), located in coding exon 15 of the FANCA gene, results from a C to G substitution at nucleotide position 1416. The phenylalanine at codon 472 is replaced by leucine, an amino acid with highly similar properties. This amino acid position is conserved. In addition, this alteration is predicted to be deleterious by in silico analysis. Based on the available evidence, the clinical significance of this variant remains unclear.

NM_000135.4(FANCA):c.1416C>G (p.Phe472Leu)

Gene: FANCA (FA complementation group A; minus strand). Cytogenetic location: 16q24.3.
Variant type: single nucleotide variant.
Coding change: c.1416C>G on transcript NM_000135.4 (MANE Select); coding-DNA position 1416, C replaced by G.
Protein change: p.Phe472Leu; replaces phenylalanine 472 with leucine.
Molecular consequence: missense variant.
Genome position (GRCh38, 1-based): chr16:89,784,908, G>C on the plus strand (C>G on the coding strand, the complement: FANCA is on the minus strand). VCF-style: chr16-89784908-G-C. GRCh37 (hg19) VCF-style: chr16-89851316-G-C.
Other names: c.1416C>G, p.Phe472Leu (NM_001286167.3); short protein forms F472L.
Identifiers: ClinVar variation 4870809 (VCV004870809.1).